The following is an entry in ClinVar:

NM_004006.3(DMD):c.3014A>T (p.Glu1005Val)

Gene: DMD (dystrophin; minus strand). Cytogenetic location: Xp21.1.
Variant type: single nucleotide variant.
Coding change: c.3014A>T on transcript NM_004006.3 (MANE Select); coding-DNA position 3014, A replaced by T.
Protein change: p.Glu1005Val; replaces glutamic acid 1005 with valine.
Molecular consequence: missense variant.
Genome position (GRCh38, 1-based): chrX:32,468,646, T>A on the plus strand (A>T on the coding strand, the complement: DMD is on the minus strand). VCF-style: chrX-32468646-T-A. GRCh37 (hg19) VCF-style: chrX-32486763-T-A.
Other names: c.2990A>T, p.Glu997Val (NM_000109.4); c.3002A>T, p.Glu1001Val (NM_004009.3); c.2645A>T, p.Glu882Val (NM_004010.3); short protein forms E1005V, E882V, E1001V, E997V.
Identifiers: ClinVar variation 3634845 (VCV003634845.2).

ClinVar aggregate classification (germline): Uncertain significance (1 of 4 stars; one submission).

Conditions:
Duchenne muscular dystrophy (DMD). Also called: MUSCULAR DYSTROPHY, PSEUDOHYPERTROPHIC PROGRESSIVE, DUCHENNE TYPE; Duchenne Muscular Dystrophy (DMD). Identifiers: Orphanet 98896, MedGen C0013264, MONDO:0010679, OMIM 310200.

Submission:

Labcorp Genetics (formerly Invitae), Labcorp
Classification: Uncertain significance for Duchenne muscular dystrophy. Last evaluated: 2024-04-03. Review status: criteria provided, single submitter. Criteria: Invitae Variant Classification Sherloc (09022015). Collection method: clinical testing. Allele origin: germline.
Comment: This sequence change replaces glutamic acid, which is acidic and polar, with valine, which is neutral and non-polar, at codon 1005 of the DMD protein (p.Glu1005Val). This variant is not present in population databases (gnomAD no frequency). This variant has not been reported in the literature in individuals affected with DMD-related conditions. Advanced modeling of protein sequence and biophysical properties (such as structural, functional, and spatial information, amino acid conservation, physicochemical variation, residue mobility, and thermodynamic stability) performed at Invitae indicates that this missense variant is not expected to disrupt DMD protein function with a negative predictive value of 95%. In summary, the available evidence is currently insufficient to determine the role of this variant in disease. Therefore, it has been classified as a Variant of Uncertain Significance.